The following is an entry in ClinVar:

ClinVar aggregate classification (germline): Uncertain significance. Review status: criteria provided, multiple submitters, no conflicts (2 of 4 stars). 2 submissions from 2 submitters: Uncertain significance (2). Last evaluated 2022-08-21.

Conditions:
Inborn genetic diseases. Identifiers: MedGen C0950123, MeSH D030342.

Allele frequency attached by ClinVar (database versions not stated): gnomAD 0.00001; gnomAD exomes 0.00002 and 0.00005; TOPMed 0.00002; ExAC 0.00006.
gnomAD v4.1: 66 of 1,544,218 alleles (0.0043%); highest among the groups gnomAD compares: Non-Finnish European, 0.0057%; no homozygotes.

Submissions (2):

Labcorp Genetics (formerly Invitae), Labcorp
Classification: Uncertain significance. Last evaluated: 2022-08-21. Review status: criteria provided, single submitter. Criteria: Invitae Variant Classification Sherloc (09022015). Collection method: clinical testing. Allele origin: germline.
Comment: This sequence change replaces alanine, which is neutral and non-polar, with threonine, which is neutral and polar, at codon 318 of the ERCC2 protein (p.Ala318Thr). The frequency data for this variant in the population databases is considered unreliable, as metrics indicate poor data quality at this position in the gnomAD database. This variant has not been reported in the literature in individuals affected with ERCC2-related conditions. ClinVar contains an entry for this variant (Variation ID: 1411589). Algorithms developed to predict the effect of missense changes on protein structure and function are either unavailable or do not agree on the potential impact of this missense change (SIFT: "Deleterious"; PolyPhen-2: "Possibly Damaging"; Align-GVGD: "Class C0"). In summary, the available evidence is currently insufficient to determine the role of this variant in disease. Therefore, it has been classified as a Variant of Uncertain Significance.

Ambry Genetics
Classification: Uncertain significance for Inborn genetic diseases. Last evaluated: 2021-09-04. Review status: criteria provided, single submitter. Criteria: Ambry Variant Classification Scheme 2023. Collection method: clinical testing. Allele origin: germline.
Comment: The p.A318T variant (also known as c.952G>A), located in coding exon 11 of the ERCC2 gene, results from a G to A substitution at nucleotide position 952. The alanine at codon 318 is replaced by threonine, an amino acid with similar properties. This amino acid position is conserved. In addition, the in silico prediction for this alteration is inconclusive. Since supporting evidence is limited at this time, the clinical significance of this alteration remains unclear.

NM_000400.4(ERCC2):c.952G>A (p.Ala318Thr)

Gene: ERCC2 (ERCC excision repair 2, TFIIH core complex helicase subunit; minus strand). Cytogenetic location: 19q13.32.
Variant type: single nucleotide variant.
Coding change: c.952G>A on transcript NM_000400.4 (MANE Select); coding-DNA position 952, G replaced by A.
Protein change: p.Ala318Thr; replaces alanine 318 with threonine.
Molecular consequence: missense variant.
Genome position (GRCh38, 1-based): chr19:45,363,909, C>T on the plus strand (G>A on the coding strand, the complement: ERCC2 is on the minus strand). VCF-style: chr19-45363909-C-T. GRCh37 (hg19) VCF-style: chr19-45867167-C-T.
Other names: c.880G>A, p.Ala294Thr (NM_001130867.2); short protein forms A318T, A294T.
Identifiers: ClinVar variation 1411589 (VCV001411589.7), dbSNP rs749260944, ClinGen allele CA9513559.